The following is an entry in ClinVar:

ClinVar aggregate classification (germline): Uncertain significance (1 of 4 stars; one submission).

Allele frequency attached by ClinVar (database versions not stated): TOPMed below 0.00001; ExAC 0.00001; gnomAD 0.00001; gnomAD exomes 0.00001.
gnomAD v4.1: 10 of 1,610,222 alleles (0.00062%); highest among the groups gnomAD compares: East Asian, 0.0022%; no homozygotes.

Submission:

Labcorp Genetics (formerly Invitae), Labcorp
Classification: Uncertain significance. Last evaluated: 2024-10-22. Review status: criteria provided, single submitter. Criteria: Invitae Variant Classification Sherloc (09022015). Collection method: clinical testing. Allele origin: germline.
Comment: This sequence change replaces proline, which is neutral and non-polar, with leucine, which is neutral and non-polar, at codon 489 of the VARS2 protein (p.Pro489Leu). This variant is present in population databases (rs780191118, gnomAD 0.0009%). This variant has not been reported in the literature in individuals affected with VARS2-related conditions. ClinVar contains an entry for this variant (Variation ID: 2047824). Invitae Evidence Modeling of protein sequence and biophysical properties (such as structural, functional, and spatial information, amino acid conservation, physicochemical variation, residue mobility, and thermodynamic stability) indicates that this missense variant is not expected to disrupt VARS2 protein function with a negative predictive value of 80%. In summary, the available evidence is currently insufficient to determine the role of this variant in disease. Therefore, it has been classified as a Variant of Uncertain Significance.

NM_020442.6(VARS2):c.1376C>T (p.Pro459Leu)

Gene: VARS2 (valyl-tRNA synthetase 2, mitochondrial; plus strand). Cytogenetic location: 6p21.33.
Variant type: single nucleotide variant.
Coding change: c.1376C>T on transcript NM_020442.6 (MANE Select); coding-DNA position 1376, C replaced by T.
Protein change: p.Pro459Leu; replaces proline 459 with leucine.
Molecular consequence: missense variant.
Genome position (GRCh38, 1-based): chr6:30,920,415, C>T. VCF-style: chr6-30920415-C-T. GRCh37 (hg19) VCF-style: chr6-30888192-C-T.
Other names: c.956C>T, p.Pro319Leu (NM_001167733.3); c.1466C>T, p.Pro489Leu (NM_001167734.2); short protein forms P319L, P489L, P459L.
Identifiers: ClinVar variation 2047824 (VCV002047824.4), dbSNP rs780191118, ClinGen allele CA3705887.